The following is an entry in ClinVar:

ClinVar aggregate classification (germline): Uncertain significance. Review status: criteria provided, multiple submitters, no conflicts (2 of 4 stars). 3 submissions from 3 submitters: Uncertain significance (3). Last evaluated 2026-07-13.

Conditions:
Hereditary cancer-predisposing syndrome. Also called: Neoplastic Syndromes, Hereditary; Hereditary Cancer Syndrome; Tumor predisposition; Hereditary neoplastic syndrome. Identifiers: Orphanet 140162, MedGen C0027672, MeSH D009386, MONDO:0015356.
Ataxia-telangiectasia syndrome (AT). Also called: LOUIS-BAR SYNDROME; Cerebello-oculocutaneous telangiectasia; Immunodeficiency with ataxia telangiectasia; Ataxia-telangiectasia, complementation group D; AT, COMPLEMENTATION GROUP C; Ataxia-telangiectasia, complementation group E. Identifiers: Orphanet 100, MedGen C0004135, MONDO:0008840, OMIM 208900.

Submissions (3):

Ambry Genetics
Classification: Uncertain significance for Hereditary cancer-predisposing syndrome. Last evaluated: 2026-07-13. Review status: criteria provided, single submitter. Criteria: Ambry Variant Classification Scheme 2023. Collection method: clinical testing. Allele origin: germline.
Comment: The p.E2145A variant (also known as c.6434A>C), located in coding exon 43 of the ATM gene, results from an A to C substitution at nucleotide position 6434. The glutamic acid at codon 2145 is replaced by alanine, an amino acid with dissimilar properties. This amino acid position is not well conserved in available vertebrate species. In addition, the in silico prediction for this alteration is inconclusive. Based on the available evidence, the clinical significance of this variant remains unclear.

Labcorp Genetics (formerly Invitae), Labcorp
Classification: Uncertain significance for Ataxia-telangiectasia syndrome. Last evaluated: 2026-01-26. Review status: criteria provided, single submitter. Criteria: Invitae Variant Classification Sherloc (09022015). Collection method: clinical testing. Allele origin: germline.
Comment: This sequence change replaces glutamic acid, which is acidic and polar, with alanine, which is neutral and non-polar, at codon 2145 of the ATM protein (p.Glu2145Ala). This variant is not present in population databases (gnomAD no frequency). This variant has not been reported in the literature in individuals affected with ATM-related conditions. ClinVar contains an entry for this variant (Variation ID: 489573). Invitae Evidence Modeling of protein sequence and biophysical properties (such as structural, functional, and spatial information, amino acid conservation, physicochemical variation, residue mobility, and thermodynamic stability) indicates that this missense variant is not expected to disrupt ATM protein function with a negative predictive value of 95%. In summary, the available evidence is currently insufficient to determine the role of this variant in disease. Therefore, it has been classified as a Variant of Uncertain Significance.

Color Diagnostics, LLC DBA Color Health
Classification: Uncertain significance for Hereditary cancer-predisposing syndrome. Last evaluated: 2019-06-07. Review status: criteria provided, single submitter. Criteria: ACMG Guidelines, 2015. Collection method: clinical testing. Allele origin: germline.

NM_000051.4(ATM):c.6434A>C (p.Glu2145Ala)

Genes: ATM (ATM serine/threonine kinase; plus strand), C11orf65 (chromosome 11 open reading frame 65; minus strand). Cytogenetic location: 11q22.3.
Variant type: single nucleotide variant.
Coding change: c.6434A>C on transcript NM_000051.4 (MANE Select); coding-DNA position 6434, A replaced by C.
Protein change: p.Glu2145Ala; replaces glutamic acid 2145 with alanine.
Molecular consequence: missense variant. On other transcripts: intron variant (2).
Genome position (GRCh38, 1-based): chr11:108,320,040, A>C. VCF-style: chr11-108320040-A-C. GRCh37 (hg19) VCF-style: chr11-108190767-A-C.
Other names: c.6434A>C, p.Glu2145Ala (NM_001351834.2); c.641-10969T>G (NM_001330368.2); c.*39-10969T>G (NM_001351110.2); short protein forms E2145A.
Identifiers: ClinVar variation 489573 (VCV000489573.10), dbSNP rs1255710647, ClinGen allele CA382553566.